The following is an entry in ClinVar:

ClinVar aggregate classification (germline): Benign/Likely benign. Review status: criteria provided, multiple submitters, no conflicts (2 of 4 stars). 8 submissions from 8 submitters: Benign (2); Likely benign (4). 2 of the submissions do not count toward it. Last evaluated 2026-10-01.

Conditions:
Hereditary breast ovarian cancer syndrome. Also called: Hereditary breast and ovarian cancer syndrome; BRCA1- and BRCA2-Associated Hereditary Breast and Ovarian Cancer; Hereditary breast and ovarian cancer; Hereditary breast and ovarian cancer syndrome (HBOC); Hereditary breast and/or ovarian cancer syndrome; Breast and ovarian cancer. Identifiers: Orphanet 145, MedGen C0677776, MeSH D061325, MONDO:0003582. Disease mechanism: loss of function.
Ataxia-telangiectasia syndrome (AT). Also called: Ataxia-telangiectasia, complementation group E; LOUIS-BAR SYNDROME; Cerebello-oculocutaneous telangiectasia; Immunodeficiency with ataxia telangiectasia; Ataxia-telangiectasia, complementation group D; AT, COMPLEMENTATION GROUP C. Identifiers: Orphanet 100, MedGen C0004135, MONDO:0008840, OMIM 208900.

Allele frequency attached by ClinVar (database versions not stated): 1000 Genomes Project 30x 0.00156; 1000 Genomes Project 0.00180; TOPMed 0.00402; gnomAD 0.00419 and 0.00425; ExAC 0.00453; ESP Exome Variant Server 0.00454; gnomAD exomes 0.00463 and 0.00677.
gnomAD v4.1: 10,408 of 1,599,590 alleles (0.65%); highest among the groups gnomAD compares: Non-Finnish European, 0.78%; 50 homozygotes.

Submissions (8):

CeGaT Center for Human Genetics Tuebingen
Classification: Likely benign. Last evaluated: 2026-10-01. Review status: criteria provided, single submitter. Criteria: CeGaT Center For Human Genetics Tuebingen Variant Classification Criteria Version 2. Collection method: clinical testing. Allele origin: germline. Affected: yes. Observed: 47 variant alleles.
Comment: ATM: BS2

Center for Genomic Medicine, Rigshospitalet, Copenhagen University Hospital
Classification: Likely benign. Last evaluated: 2025-03-04. Review status: criteria provided, single submitter. Criteria: ACMG Guidelines, 2015. Collection method: clinical testing. Allele origin: germline.

National Health Laboratory Service, Universitas Academic Hospital and University of the Free State
Classification: Benign for Hereditary breast ovarian cancer syndrome. Last evaluated: 2022-04-19. Review status: criteria provided, single submitter. Criteria: ACMG Guidelines, 2015. Collection method: clinical testing. Allele origin: germline. Affected: yes. Observed: 1 variant allele.

GeneDx
Classification: Likely benign. Last evaluated: 2021-02-15. Review status: criteria provided, single submitter. Criteria: GeneDx Variant Classification Process June 2021. Collection method: clinical testing. Allele origin: germline. Affected: yes.

Mendelics
Classification: Benign for Ataxia-telangiectasia syndrome. Last evaluated: 2019-05-28. Review status: criteria provided, single submitter. Criteria: Mendelics Assertion Criteria 2017. Collection method: clinical testing. Allele origin: unknown.

Breakthrough Genomics
Classification: Likely benign. Review status: criteria provided, single submitter. Criteria: ACMG Guidelines, 2015. Collection method: not provided. Allele origin: germline. Inheritance: Autosomal recessive inheritance. Affected: yes.

Clinical Genetics DNA and cytogenetics Diagnostics Lab, Erasmus MC, Erasmus Medical Center
Classification: Likely benign. Review status: no assertion criteria provided. Collection method: clinical testing. Allele origin: germline. Affected: yes. Study: VKGL Data-share Consensus. Not counted in ClinVar's aggregate classification.

Clinical Genetics Laboratory, Department of Pathology, Netherlands Cancer Institute
Classification: Benign. Review status: no assertion criteria provided. Collection method: clinical testing. Allele origin: germline. Affected: yes. Study: VKGL Data-share Consensus. Not counted in ClinVar's aggregate classification.

NM_000051.4(ATM):c.2250+22A>C

Gene: ATM (ATM serine/threonine kinase; plus strand). Cytogenetic location: 11q22.3.
Variant type: single nucleotide variant.
Coding change: c.2250+22A>C on transcript NM_000051.4 (MANE Select); 22 bases into the intron after coding-DNA position 2250, A replaced by C.
Molecular consequence: intron variant.
Genome position (GRCh38, 1-based): chr11:108,256,362, A>C. VCF-style: chr11-108256362-A-C. GRCh37 (hg19) VCF-style: chr11-108127089-A-C.
Other names: c.2250+22A>C (NM_001351834.2).
Identifiers: ClinVar variation 802744 (VCV000802744.20), dbSNP rs3218692, ClinGen allele CA6264972.
Genomic context (GRCh38, chr11:108,256,362, plus strand): 5'-GAGGAAGCATATAAGTCAGAATTATTCCAGAAAGCCAAGGTAGGAGAATTTATACTAATA[A>C]AGTTTCGGATAAATTTGAATGAAATGTATTCCTGTGAAAATTATTACATTTGTTTGGAAG-3'